The following is an entry in ClinVar:

ClinVar aggregate classification (germline): Benign. Review status: criteria provided, multiple submitters, no conflicts (2 of 4 stars). 2 submissions from 2 submitters: Benign (2). Last evaluated 2018-01-13.

Conditions:
Vanishing white matter disease. Also called: CACH syndrome; Childhood ataxia with diffuse central nervous system hypomyelination; Leukoencephalopathy with vanishing white matter; CACH/VWM syndrome; Cree leukoencehalopathy. Identifiers: Orphanet 135, Orphanet 99853, MedGen C1858991, MONDO:0800448.

Allele frequency attached by ClinVar (database versions not stated): 1000 Genomes Project 0.16154; 1000 Genomes Project 30x 0.16287; TOPMed 0.21664; gnomAD 0.21945 and 0.22121.

Submissions (2):

Illumina Laboratory Services, Illumina
Classification: Benign for Leukoencephalopathy with vanishing white matter 1. Last evaluated: 2018-01-13. Review status: criteria provided, single submitter. Criteria: ICSL Variant Classification Criteria 13 December 2019. Collection method: clinical testing. Allele origin: germline.
Comment: This variant was observed in the ICSL laboratory as part of a predisposition screen in an ostensibly healthy population. It had not been previously curated by ICSL or reported in the Human Gene Mutation Database (HGMD: prior to June 1st, 2018), and was therefore a candidate for classification through an automated scoring system. Utilizing variant allele frequency, disease prevalence and penetrance estimates, and inheritance mode, an automated score was calculated to assess if this variant is too frequent to cause the disease. Based on the score and internal cut-off values, a variant classified as benign is not then subjected to further curation. The score for this variant resulted in a classification of benign for this disease.

Breakthrough Genomics
Classification: Benign. Review status: criteria provided, single submitter. Criteria: ACMG Guidelines, 2015. Collection method: not provided. Allele origin: germline. Inheritance: Autosomal recessive inheritance. Affected: yes.

NM_001414.4(EIF2B1):c.*355G>A

Genes: EIF2B1 (eukaryotic translation initiation factor 2B subunit alpha; minus strand), LOC126861664 (CDK7 strongly-dependent group 2 enhancer GRCh37_chr12:124105924-124107123; plus strand). Cytogenetic location: 12q24.31.
Variant type: single nucleotide variant.
Coding change: c.*355G>A on transcript NM_001414.4 (MANE Select); 355 bases downstream of the stop codon, G replaced by A.
Molecular consequence: 3 prime UTR variant.
Genome position (GRCh38, 1-based): chr12:123,621,401, C>T on the plus strand (G>A on the coding strand, the complement: EIF2B1 is on the minus strand). VCF-style: chr12-123621401-C-T. GRCh37 (hg19) VCF-style: chr12-124105948-C-T.
Identifiers: ClinVar variation 307524 (VCV000307524.6), dbSNP rs1050443, ClinGen allele CA10640459.
Genomic context (GRCh38, chr12:123,621,401, plus strand): 5'-GTCCTGACCAGCTGTTGGTCATTTGTGGCAGAGGGGTGTGGCTGCTTTTCGCCTGCATCT[C>T]GCGTGCTTTAGGCAGATCAGTCTGGAGTGCAGGGGAGGATGAAGACAGGTGGACTTGGGC-3'